The following is an entry in ClinVar:

ClinVar aggregate classification (germline): Uncertain significance (1 of 4 stars; one submission).

Conditions:
TCF20-related disorder. Also called: TCF20-related condition.

Submission:

PreventionGenetics, part of Exact Sciences
Classification: Uncertain significance for TCF20-related condition. Last evaluated: 2023-08-16. Review status: criteria provided, single submitter. Criteria: ACMG Guidelines, 2015. Collection method: clinical testing. Allele origin: germline.
Comment: The TCF20 c.2099A>G variant is predicted to result in the amino acid substitution p.Lys700Arg. To our knowledge, this variant has not been reported in the literature or in a large population database, indicating this variant is rare. At this time, the clinical significance of this variant is uncertain due to the absence of conclusive functional and genetic evidence.

NM_001378418.1(TCF20):c.2099A>G (p.Lys700Arg)

Gene: TCF20 (transcription factor 20; minus strand). Cytogenetic location: 22q13.2.
Variant type: single nucleotide variant.
Coding change: c.2099A>G on transcript NM_001378418.1 (MANE Select); coding-DNA position 2099, A replaced by G.
Protein change: p.Lys700Arg; replaces lysine 700 with arginine.
Molecular consequence: missense variant.
Genome position (GRCh38, 1-based): chr22:42,213,207, T>C on the plus strand (A>G on the coding strand, the complement: TCF20 is on the minus strand). VCF-style: chr22-42213207-T-C. GRCh37 (hg19) VCF-style: chr22-42609213-T-C.
Other names: c.2099A>G, p.Lys700Arg (NM_005650.4, NM_181492.3); short protein forms K700R.
Identifiers: ClinVar variation 2631348 (VCV002631348.1), dbSNP rs2518229808, ClinGen allele CA411789402.
Genomic context (GRCh38, chr22:42,213,207, plus strand): 5'-TTTCGTGGCACGGCTGACCCGAAACTATCTTTGTAACTATAGCGCAGACTTCCAGGAGAT[T>C]TGCTAGGCTCAGTTCTGCTCGTAAAACCAGGGCCCGCTGCAGAGTGGCCACTCTGGCCAT-3'
Protein context (NP_001365347.1, residues 690-710): PGFTSRTEPS[Lys700Arg]SPGSLRYSYK